The following is an entry in ClinVar:

NM_001136139.4(TCF3):c.1592C>T (p.Thr531Met)

Gene: TCF3 (transcription factor 3; minus strand). Cytogenetic location: 19p13.3.
Variant type: single nucleotide variant.
Coding change: c.1592C>T on transcript NM_001136139.4 (MANE Plus Clinical); coding-DNA position 1592, C replaced by T.
Protein change: p.Thr531Met; replaces threonine 531 with methionine.
Molecular consequence: missense variant. On other transcripts: intron variant (2).
Genome position (GRCh38, 1-based): chr19:1,612,428, G>A on the plus strand (C>T on the coding strand, the complement: TCF3 is on the minus strand). VCF-style: chr19-1612428-G-A. GRCh37 (hg19) VCF-style: chr19-1612427-G-A.
Other names: c.1592C>T, p.Thr531Met (NM_001351779.2); c.1820-579C>T (NM_001351778.2); c.1823-579C>T (NM_003200.5); c.1592C>T (NM_001351779.1); short protein forms T531M.
Identifiers: ClinVar variation 1638122 (VCV001638122.11), dbSNP rs187316941, ClinGen allele CA9049603.

ClinVar aggregate classification (germline): Benign/Likely benign. Review status: criteria provided, multiple submitters, no conflicts (2 of 4 stars). 3 submissions from 3 submitters: Benign (1); Likely benign (1). 1 of the submissions does not count toward it. Last evaluated 2025-10-10.

Conditions:
TCF3-related disorder. Also called: TCF3-related condition.

Allele frequency attached by ClinVar (database versions not stated): gnomAD 0.00015 and 0.00025; TOPMed 0.00023; gnomAD exomes 0.00031 and 0.00058; ExAC 0.00053; 1000 Genomes Project 0.00100; 1000 Genomes Project 30x 0.00141.
gnomAD v4.1: 477 of 1,549,806 alleles (0.031%); highest among the groups gnomAD compares: East Asian, 0.68%; 2 homozygotes.

Submissions (3):

Labcorp Genetics (formerly Invitae), Labcorp
Classification: Benign. Last evaluated: 2025-10-10. Review status: criteria provided, single submitter. Criteria: Invitae Variant Classification Sherloc (09022015). Collection method: clinical testing. Allele origin: germline.

Blueprint Genetics
Classification: Likely benign. Last evaluated: 2024-06-28. Review status: criteria provided, single submitter. Criteria: ACMG Guidelines, 2015. Collection method: clinical testing. Allele origin: germline.

PreventionGenetics, part of Exact Sciences
Classification: Likely benign for TCF3-related condition. Last evaluated: 2020-11-02. Review status: no assertion criteria provided. Collection method: clinical testing. Allele origin: germline. Not counted in ClinVar's aggregate classification.
Comment: This variant is classified as likely benign based on ACMG/AMP sequence variant interpretation guidelines (Richards et al. 2015 PMID: 25741868, with internal and published modifications).